The following is an entry in ClinVar:

ClinVar aggregate classification (germline): Uncertain significance. Review status: criteria provided, multiple submitters, no conflicts (2 of 4 stars). 2 submissions from 2 submitters: Uncertain significance (2). Last evaluated 2023-12-13.

Conditions:
Bardet-Biedl syndrome (BBS). Identifiers: Orphanet 110, MedGen C0752166, MONDO:0015229.

Allele frequency attached by ClinVar (database versions not stated): gnomAD 0.00002; ExAC 0.00002.
gnomAD v4.1: 14 of 1,610,368 alleles (0.00087%); highest among the groups gnomAD compares: Middle Eastern, 0.016%; no homozygotes.

Submissions (2):

Women's Health and Genetics/Laboratory Corporation of America, LabCorp
Classification: Uncertain significance. Last evaluated: 2023-12-13. Review status: criteria provided, single submitter. Criteria: LabCorp Variant Classification Summary - May 2015. Collection method: clinical testing. Allele origin: germline.
Comment: Variant summary: BBS1 c.1385G>A (p.Arg462His) results in a non-conservative amino acid change in the encoded protein sequence. Three of five in-silico tools predict a benign effect of the variant on protein function. The variant allele was found at a frequency of 1.6e-05 in 247708 control chromosomes. The available data on variant occurrences in the general population are insufficient to allow any conclusion about variant significance. c.1385G>A has been reported in the literature in individuals affected with atrioventricular canal defects (Jin_2018). These report(s) do not provide unequivocal conclusions about association of the variant with Bardet-Biedl Syndrome. To our knowledge, no experimental evidence demonstrating an impact on protein function has been reported. The following publication have been ascertained in the context of this evaluation (PMID: 28991257). One submitter has cited clinical-significance assessments for this variant to ClinVar after 2014 and has classified the variant as uncertain significance. Based on the evidence outlined above, the variant was classified as uncertain significance.

Labcorp Genetics (formerly Invitae), Labcorp
Classification: Uncertain significance for Bardet-Biedl syndrome. Last evaluated: 2022-09-12. Review status: criteria provided, single submitter. Criteria: Invitae Variant Classification Sherloc (09022015). Collection method: clinical testing. Allele origin: germline.
Comment: This sequence change replaces arginine, which is basic and polar, with histidine, which is basic and polar, at codon 462 of the BBS1 protein (p.Arg462His). This variant is present in population databases (rs769090687, gnomAD 0.004%). This missense change has been observed in individual(s) with atrioventricular canal defect (PMID: 28991257). Advanced modeling of protein sequence and biophysical properties (such as structural, functional, and spatial information, amino acid conservation, physicochemical variation, residue mobility, and thermodynamic stability) performed at Invitae indicates that this missense variant is not expected to disrupt BBS1 protein function. In summary, the available evidence is currently insufficient to determine the role of this variant in disease. Therefore, it has been classified as a Variant of Uncertain Significance.

Literature cited by the submitters: PubMed 28991257 (cited by Women's Health and Genetics/Laboratory Corporation of America, LabCorp and Labcorp Genetics (formerly Invitae), Labcorp).

NM_024649.5(BBS1):c.1385G>A (p.Arg462His)

Genes: BBS1 (Bardet-Biedl syndrome 1; plus strand), ZDHHC24 (zDHHC palmitoyltransferase 24; minus strand). Cytogenetic location: 11q13.2.
Variant type: single nucleotide variant.
Coding change: c.1385G>A on transcript NM_024649.5 (MANE Select); coding-DNA position 1385, G replaced by A.
Protein change: p.Arg462His; replaces arginine 462 with histidine.
Molecular consequence: missense variant. On other transcripts: intron variant (1).
Genome position (GRCh38, 1-based): chr11:66,529,864, G>A. VCF-style: chr11-66529864-G-A. GRCh37 (hg19) VCF-style: chr11-66297335-G-A.
Other names: c.560-376C>T (NM_001348571.2); short protein forms R462H.
Identifiers: ClinVar variation 2137161 (VCV002137161.2), dbSNP rs769090687, ClinGen allele CA6123753.